The following is an entry in ClinVar:

ClinVar aggregate classification (germline): Uncertain significance. Review status: criteria provided, multiple submitters, no conflicts (2 of 4 stars). 2 submissions from 2 submitters: Uncertain significance (2). Last evaluated 2026-02-06.

Conditions:
Deficiency of alpha-mannosidase (MANSA). Also called: Alpha-Mannosidosis; Mannosidosis, alpha-, types I and II; LYSOSOMAL ALPHA-D-MANNOSIDASE DEFICIENCY. Identifiers: Orphanet 61, MedGen C0024748, MONDO:0009561, OMIM 248500.

Allele frequency attached by ClinVar (database versions not stated): gnomAD 0.00001; gnomAD exomes 0.00001; TOPMed 0.00002.
gnomAD v4.1: 23 of 1,613,306 alleles (0.0014%); highest among the groups gnomAD compares: Admixed American, 0.0083%; no homozygotes.

Submissions (2):

GeneDx
Classification: Uncertain significance. Last evaluated: 2026-02-06. Review status: criteria provided, single submitter. Criteria: GeneDx Variant Classification Process June 2021. Collection method: clinical testing. Allele origin: germline.
Comment: Not observed at significant frequency in large population cohorts (gnomAD); In silico analysis suggests that this missense variant does not alter protein structure/function; Has not been previously published as pathogenic or benign to our knowledge

Labcorp Genetics (formerly Invitae), Labcorp
Classification: Uncertain significance for Deficiency of alpha-mannosidase. Last evaluated: 2021-08-26. Review status: criteria provided, single submitter. Criteria: Invitae Variant Classification Sherloc (09022015). Collection method: clinical testing. Allele origin: germline.
Comment: This sequence change replaces arginine with cysteine at codon 742 of the MAN2B1 protein (p.Arg742Cys). The arginine residue is weakly conserved and there is a large physicochemical difference between arginine and cysteine. This variant is present in population databases (rs767192781, ExAC 0.01%). This variant has not been reported in the literature in individuals affected with MAN2B1-related conditions. Algorithms developed to predict the effect of missense changes on protein structure and function (SIFT, PolyPhen-2, Align-GVGD) all suggest that this variant is likely to be tolerated. In summary, the available evidence is currently insufficient to determine the role of this variant in disease. Therefore, it has been classified as a Variant of Uncertain Significance.

NM_000528.4(MAN2B1):c.2224C>T (p.Arg742Cys)

Gene: MAN2B1 (mannosidase alpha class 2B member 1; minus strand). Cytogenetic location: 19p13.13.
Variant type: single nucleotide variant.
Coding change: c.2224C>T on transcript NM_000528.4 (MANE Select); coding-DNA position 2224, C replaced by T.
Protein change: p.Arg742Cys; replaces arginine 742 with cysteine.
Molecular consequence: missense variant.
Genome position (GRCh38, 1-based): chr19:12,649,956, G>A on the plus strand (C>T on the coding strand, the complement: MAN2B1 is on the minus strand). VCF-style: chr19-12649956-G-A. GRCh37 (hg19) VCF-style: chr19-12760770-G-A.
Other names: c.2221C>T, p.Arg741Cys (NM_001173498.2); c.2224C>T (NM_000528.3); short protein forms R742C, R741C.
Identifiers: ClinVar variation 2156149 (VCV002156149.2), dbSNP rs767192781, ClinGen allele CA9226155.